The following is an entry in ClinVar:

ClinVar aggregate classification (germline): Pathogenic/Likely pathogenic. Review status: criteria provided, multiple submitters, no conflicts (2 of 4 stars). 9 submissions from 9 submitters: Pathogenic (4); Likely pathogenic (5). Last evaluated 2026-01-11.

Conditions:
Adult hypophosphatasia. Identifiers: Orphanet 247676, Orphanet 436, MedGen C0268413, MONDO:1010154, OMIM 146300, MONDO:0007798.
Semidominant ALPL-related disorders.
Childhood hypophosphatasia. Identifiers: Orphanet 247667, Orphanet 436, MedGen C0220743, MONDO:1010168, OMIM 241510, MONDO:0009428.
Infantile hypophosphatasia. Identifiers: Orphanet 247651, Orphanet 436, MedGen C0268412, MONDO:1010169, OMIM 241500, MONDO:0009427.
Hypophosphatasia. Also called: Phosphoethanol-aminuria. Identifiers: Orphanet 436, MedGen C0020630, MeSH D007014, MONDO:0018570.

Submissions (9):

Labcorp Genetics (formerly Invitae), Labcorp
Classification: Pathogenic. Last evaluated: 2026-01-11. Review status: criteria provided, single submitter. Criteria: Invitae Variant Classification Sherloc (09022015). Collection method: clinical testing. Allele origin: germline.
Comment: This sequence change replaces alanine, which is neutral and non-polar, with valine, which is neutral and non-polar, at codon 132 of the ALPL protein (p.Ala132Val). This variant is not present in population databases (gnomAD no frequency). This missense change has been observed in individual(s) with hypophosphatasia (PMID: 11834095, 32160374). This variant is also known as C571T (Ala115Val). ClinVar contains an entry for this variant (Variation ID: 594951). Invitae Evidence Modeling of protein sequence and biophysical properties (such as structural, functional, and spatial information, amino acid conservation, physicochemical variation, residue mobility, and thermodynamic stability) indicates that this missense variant is expected to disrupt ALPL protein function with a positive predictive value of 95%. Experimental studies have shown that this missense change affects ALPL function (PMID: 18455459, 19500388). This variant disrupts the p.Ala132 amino acid residue in ALPL. Other variant(s) that disrupt this residue have been observed in individuals with ALPL-related conditions (PMID: 32160374; internal data), which suggests that this may be a clinically significant amino acid residue. For these reasons, this variant has been classified as Pathogenic.

Genomenon, Inc
Classification: Pathogenic for Hypophosphatasia. Last evaluated: 2025-08-29. Review status: criteria provided, single submitter. Criteria: Genomenon Sequence Variant Interpretation Standards. Collection method: curation. Allele origin: germline. Affected: yes.
Comment: ALPL c.395C>T is a missense variant that changes the amino acid at residue 132 from Alanine to Valine. This variant has been observed in at least one proband affected with hypophosphatasia (PMID:33191482;11834095;30655187;19500388). The variant was found to segregate with disease in at least one affected family (PMID:11834095). At least one functional study has demonstrated a substantial alteration in protein function relative to the wild-type (PMID:15629439;18455459;12162492). This variant is also described as Ala115Val in the literature. It is absent or not present at a significant frequency in gnomAD. In silico models agree that this variant is possibly or probably damaging. In conclusion, we classify ALPL p.Ala132Val (c.395C>T) as a pathogenic variant.

Variantyx, Inc.
Classification: Pathogenic for Semidominant ALPL-related disorders. Last evaluated: 2025-05-08. Review status: criteria provided, single submitter. Criteria: Variantyx Assertion Criteria 2022. Collection method: clinical testing. Allele origin: germline. Inheritance: Semidominant inheritance.
Comment: This is a nonsynonymous variant in the ALPL gene (OMIM: 171760). Pathogenic variants in this gene have been associated with autosomal semidominant adult hypophosphatasia. This variant, also known as p.Ala115Val, has been reported in the heterozygous state in at least two individuals with mild hypophosphatasia (PMID: 11834095, 30655187). It has also been reported in the compound heterozygous state in an individual with mild disease; however, the second variant was not specified (PMID: 19500388). Functional studies have shown that this variant alters ALPL protein function (PMID: 15629439, 19500388, 18455459) (PS3) and multiple computational algorithms predict a deleterious effect for this variant (REVEL score: 0.813) (PP3_Moderate). This variant is absent from control populations (PM2_Supporting). Based on the current evidence, this variant is classified as likely pathogenic for autosomal semidominant adult hypophosphatasia.

Women's Health and Genetics/Laboratory Corporation of America, LabCorp
Classification: Pathogenic for Hypophosphatasia. Last evaluated: 2025-04-03. Review status: criteria provided, single submitter. Criteria: LabCorp Variant Classification Summary - May 2015. Collection method: clinical testing. Allele origin: germline.
Comment: Variant summary: ALPL c.395C>T (p.Ala132Val) results in a non-conservative amino acid change in the encoded protein sequence. Four of five in-silico tools predict a damaging effect of the variant on protein function. The variant was absent in 251016 control chromosomes (gnomAD). c.395C>T has been reported in the literature in individuals affected with Hypophosphatasia (Watanabe_2001, Del Angel_2020, Jandl_2020). These data indicate that the variant is likely to be associated with disease. At least two publications reported experimental evidence evaluating an impact on protein function and this variant reduced enzyme activity (Orimo_2008, Fauvert_2009). ClinVar contains an entry for this variant (Variation ID: 594951). Based on the evidence outlined above, the variant was classified as pathogenic.

Natera, Inc.
Classification: Likely pathogenic for Hypophosphatasia. Last evaluated: 2025-02-04. Review status: criteria provided, single submitter. Criteria: Natera Variant Classification Schema (03/2026). Collection method: clinical testing. Allele origin: germline.
Comment: The c.395C>T variant in ALPL is a missense variant predicted to cause substitution of alanine to valine at amino acid 132. This variant is rare in the general population with a frequency below the threshold expected for the associated phenotype(s). This variant has been observed in one or more individuals affected with the associated recessive disease, as either homozygous or compound heterozygous with a second variant (PMID: 32973344). Functional studies show that this variant may disrupt protein function (PMID: 15629439, 18455459, 12162492). Computational prediction algorithms indicate this variant is likely to affect gene or protein function. Given the available evidence, this variant is classified as Likely Pathogenic.

Baylor Genetics
Classification: Likely pathogenic for Adult hypophosphatasia. Last evaluated: 2023-01-12. Review status: criteria provided, single submitter. Criteria: ACMG Guidelines, 2015. Collection method: clinical testing. Allele origin: unknown.

Fulgent Genetics
Classification: Likely pathogenic for Adult hypophosphatasia; Infantile hypophosphatasia; Childhood hypophosphatasia. Last evaluated: 2022-05-09. Review status: criteria provided, single submitter. Criteria: ACMG Guidelines, 2015. Collection method: clinical testing. Allele origin: unknown.

GeneDx
Classification: Likely pathogenic. Last evaluated: 2020-12-01. Review status: criteria provided, single submitter. Criteria: GeneDx Variant Classification Process June 2021. Collection method: clinical testing. Allele origin: germline. Affected: yes.
Comment: Reported in the heterozygous state in an individual with adult onset hypophosphatasia (Watanabe et al., 2001); Published functional studies demonstrate a damaging effect on ALPL protein function (Orimo et al., 2008); Not observed in large population cohorts (Lek et al., 2016); Missense variants at the same residue and in nearby residues reported in the Human Gene Mutation Database (Stenson et al., 2014); This variant is associated with the following publications: (PMID: 18455459, 30655187, 19500388, 11834095)

Eurofins Ntd Llc (ga)
Classification: Likely pathogenic. Last evaluated: 2017-11-27. Review status: criteria provided, single submitter. Criteria: EGL Classification Definitions 2015. Collection method: clinical testing. Allele origin: germline. Observed: 1 variant allele, 1 heterozygote.

Literature cited by the submitters: PubMed 11834095 (cited by 4 submitters); PubMed 32160374 (cited by Labcorp Genetics (formerly Invitae), Labcorp and Women's Health and Genetics/Laboratory Corporation of America, LabCorp); PubMed 18455459 (cited by 5 submitters); PubMed 19500388 (cited by 4 submitters); PubMed 33191482 (cited by Genomenon, Inc and Women's Health and Genetics/Laboratory Corporation of America, LabCorp); PubMed 30655187 (cited by Genomenon, Inc and Variantyx, Inc.); PubMed 15629439 (cited by 3 submitters); PubMed 12162492 (cited by Genomenon, Inc and Natera, Inc.); PubMed 32973344 (cited by Natera, Inc.).

NM_000478.6(ALPL):c.395C>T (p.Ala132Val)

Gene: ALPL (alkaline phosphatase, biomineralization associated; plus strand). Cytogenetic location: 1p36.12.
Variant type: single nucleotide variant.
Coding change: c.395C>T on transcript NM_000478.6 (MANE Select); coding-DNA position 395, C replaced by T.
Protein change: p.Ala132Val; replaces alanine 132 with valine.
Molecular consequence: missense variant.
Genome position (GRCh38, 1-based): chr1:21,563,207, C>T. VCF-style: chr1-21563207-C-T. GRCh37 (hg19) VCF-style: chr1-21889700-C-T.
Other names: c.395C>T (NM_000478.5); c.230C>T, p.Ala77Val (NM_001127501.4); c.164C>T, p.Ala55Val (NM_001177520.3); c.395C>T, p.Ala132Val (NM_001369803.2, NM_001369804.2, NM_001369805.2); short protein forms A132V, A55V, A77V.
Identifiers: ClinVar variation 594951 (VCV000594951.19), dbSNP rs1558548925, ClinGen allele CA338877252.